The following is an entry in ClinVar:

ClinVar aggregate classification (germline): Uncertain significance. Review status: criteria provided, multiple submitters, no conflicts (2 of 4 stars). 2 submissions from 2 submitters: Uncertain significance (2). Last evaluated 2025-04-10.

Conditions:
RAI1-related disorder. Also called: RAI1-related condition.

Submissions (2):

PreventionGenetics, part of Exact Sciences
Classification: Uncertain significance for RAI1-related condition. Last evaluated: 2025-04-10. Review status: criteria provided, single submitter. Criteria: ACMG Guidelines, 2015. Collection method: clinical testing. Allele origin: germline.
Comment: The RAI1 c.378_392del15 variant is predicted to result in an in-frame deletion (p.Pro127_Pro131del). To our knowledge, this variant has not been reported in the literature or in a large population database (gnomAD), indicating this variant is rare. At this time, the clinical significance of this variant is uncertain due to the absence of conclusive functional and genetic evidence.

Labcorp Genetics (formerly Invitae), Labcorp
Classification: Uncertain significance. Last evaluated: 2021-03-10. Review status: criteria provided, single submitter. Criteria: Invitae Variant Classification Sherloc (09022015). Collection method: clinical testing. Allele origin: germline.
Comment: In summary, the available evidence is currently insufficient to determine the role of this variant in disease. Therefore, it has been classified as a Variant of Uncertain Significance. Experimental studies and prediction algorithms are not available or were not evaluated, and the functional significance of this variant is currently unknown. This variant has not been reported in the literature in individuals with RAI1-related conditions. This variant is not present in population databases (ExAC no frequency). This variant, c.378_392del, results in the deletion of 5 amino acid(s) of the RAI1 protein (p.Pro127_Pro131del), but otherwise preserves the integrity of the reading frame.

NM_030665.4(RAI1):c.378_392del (p.Pro127_Pro131del)

Gene: RAI1 (retinoic acid induced 1; plus strand). Cytogenetic location: 17p11.2.
Variant type: Deletion.
Coding change: c.378_392del on transcript NM_030665.4 (MANE Select); coding-DNA positions 378 to 392, 15 bases deleted (ACCACCCCCACAGCC).
Protein change: p.Pro127_Pro131del.
Molecular consequence: inframe deletion.
Genome position (GRCh38, 1-based): chr17:17,793,326-17,793,340, ACCACCCCCACAGCC deleted; deleting any 15 consecutive bases within chr17:17,793,316-17,793,340 gives the same sequence; the c. name uses the placement nearest the transcript's 3' end. VCF-style (leftmost placement, unchanged base first): chr17-17793315-GCCCCACAGCCACCAC-G. GRCh37 (hg19) VCF-style: chr17-17696629-GCCCCACAGCCACCAC-G.
Other names: c.378_392del15 (NM_030665.3).
Identifiers: ClinVar variation 1431002 (VCV001431002.9), dbSNP rs2032092718, ClinGen allele CA2250665645.